The following is an entry in ClinVar:

NM_000051.4(ATM):c.5287_5288insTTTAGAACATCAAGAAAAAACTACATCAAGAACATCAAGAAC (p.Tyr1763delinsPheTer)

Gene: ATM (ATM serine/threonine kinase; plus strand). Cytogenetic location: 11q22.3.
Variant type: Insertion.
Coding change: c.5287_5288insTTTAGAACATCAAGAAAAAACTACATCAAGAACATCAAGAAC on transcript NM_000051.4 (MANE Select); coding-DNA positions 5287 to 5288, TTTAGAACATCAAGAAAAAACTACATCAAGAACATCAAGAAC inserted.
Protein change: p.Tyr1763delinsPheTer.
Molecular consequence: nonsense.
Genome position: GRCh38: chr11:108,301,757-108,301,758. GRCh37 (hg19): chr11:108,172,484-108,172,485.
Other names: c.5287_5288insTTTAGAACATCAAGAAAAAACTACATCAAGAACATCAAGAAC, p.Tyr1763delinsPheTer (NM_001351834.2).
Identifiers: ClinVar variation 2703688 (VCV002703688.3), dbSNP rs2546973961, ClinGen allele CA2697558835.

ClinVar aggregate classification (germline): Pathogenic (1 of 4 stars; one submission).

Conditions:
Ataxia-telangiectasia syndrome (AT). Also called: ATAXIA-TELANGIECTASIA, COMPLEMENTATION GROUP A; ATAXIA-TELANGIECTASIA, FRESNO VARIANT; Ataxia-telangiectasia, complementation group D; LOUIS-BAR SYNDROME; AT, COMPLEMENTATION GROUP C; Ataxia-telangiectasia. Identifiers: Orphanet 100, MedGen C0004135, MONDO:0008840, OMIM 208900.

Submission:

Labcorp Genetics (formerly Invitae), Labcorp
Classification: Pathogenic for Ataxia-telangiectasia syndrome. Last evaluated: 2023-12-17. Review status: criteria provided, single submitter. Criteria: Invitae Variant Classification Sherloc (09022015). Collection method: clinical testing. Allele origin: germline.
Comment: This sequence change creates a premature translational stop signal (p.Tyr1763delinsPhe*) in the ATM gene. It is expected to result in an absent or disrupted protein product. Loss-of-function variants in ATM are known to be pathogenic (PMID: 23807571, 25614872). This variant is not present in population databases (gnomAD no frequency). This variant has not been reported in the literature in individuals affected with ATM-related conditions. For these reasons, this variant has been classified as Pathogenic.

Literature cited by the submitters: PubMed 23807571; PubMed 25614872.